The following is an entry in ClinVar:

ClinVar aggregate classification (germline): Pathogenic (1 of 4 stars; one submission).

Submission:

Labcorp Genetics (formerly Invitae), Labcorp
Classification: Pathogenic. Last evaluated: 2024-02-23. Review status: criteria provided, single submitter. Criteria: Invitae Variant Classification Sherloc (09022015). Collection method: clinical testing. Allele origin: germline.
Comment: This sequence change creates a premature translational stop signal (p.Glu446*) in the ITPR1 gene. It is expected to result in an absent or disrupted protein product. Loss-of-function variants in ITPR1 are known to be pathogenic (PMID: 27108797). This variant is not present in population databases (gnomAD no frequency). This variant has not been reported in the literature in individuals affected with ITPR1-related conditions. For these reasons, this variant has been classified as Pathogenic.

Literature cited by the submitters: PubMed 27108797.

NM_001378452.1(ITPR1):c.1381G>T (p.Glu461Ter)

Gene: ITPR1 (inositol 1,4,5-trisphosphate receptor type 1; plus strand). Cytogenetic location: 3p26.1.
Variant type: single nucleotide variant.
Coding change: c.1381G>T on transcript NM_001378452.1 (MANE Select); coding-DNA position 1381, G replaced by T.
Protein change: p.Glu461Ter; replaces glutamic acid 461 with a stop codon.
Molecular consequence: nonsense.
Genome position (GRCh38, 1-based): chr3:4,662,211, G>T. VCF-style: chr3-4662211-G-T. GRCh37 (hg19) VCF-style: chr3-4703895-G-T.
Other names: c.1381G>T, p.Glu461Ter (NM_001099952.4); c.1336G>T, p.Glu446Ter (NM_001168272.2, NM_002222.7); short protein forms E461*, E446*.
Identifiers: ClinVar variation 3642864 (VCV003642864.2).